The following is an entry in ClinVar:

NM_002769.5(PRSS1):c.44C>T (p.Ala15Val)

Genes: PRSS1 (serine protease 1; plus strand), TRB (T cell receptor beta locus; plus strand). Cytogenetic location: 7q34.
Variant type: single nucleotide variant.
Coding change: c.44C>T on transcript NM_002769.5 (MANE Select); coding-DNA position 44, C replaced by T.
Protein change: p.Ala15Val; replaces alanine 15 with valine.
Molecular consequence: missense variant. On other transcripts: non-coding transcript variant (2).
Genome position (GRCh38, 1-based): chr7:142,750,558, C>T. VCF-style: chr7-142750558-C-T. GRCh37 (hg19) VCF-style: chr7-142458409-C-T.
Other names: short protein forms A15V.
Identifiers: ClinVar variation 1741027 (VCV001741027.2), dbSNP rs200665515, ClinGen allele CA369607027.

ClinVar aggregate classification (germline): Uncertain significance (1 of 4 stars; one submission).

Conditions:
Hereditary pancreatitis (PCTT). Also called: Hereditary chronic pancreatitis; PRSS1-Related Hereditary Pancreatitis. Identifiers: Orphanet 676, MedGen C0238339, MONDO:0008185, OMIM 167800.

Submission:

Ambry Genetics
Classification: Uncertain significance for Hereditary pancreatitis. Last evaluated: 2022-03-01. Review status: criteria provided, single submitter. Criteria: Ambry Variant Classification Scheme 2023. Collection method: clinical testing. Allele origin: germline.
Comment: The p.A15V variant (also known as c.44C>T), located in coding exon 2 of the PRSS1 gene, results from a C to T substitution at nucleotide position 44. The alanine at codon 15 is replaced by valine, an amino acid with similar properties. This amino acid position is conserved. In addition, the in silico prediction for this alteration is inconclusive. Since supporting evidence is limited at this time, the clinical significance of this alteration remains unclear.